The following is an entry in ClinVar:

NM_014875.3(KIF14):c.107T>G (p.Leu36Arg)

Gene: KIF14 (kinesin family member 14; minus strand). Cytogenetic location: 1q32.1.
Variant type: single nucleotide variant.
Coding change: c.107T>G on transcript NM_014875.3 (MANE Select); coding-DNA position 107, T replaced by G.
Protein change: p.Leu36Arg; replaces leucine 36 with arginine.
Molecular consequence: missense variant. On other transcripts: 5 prime UTR variant (1).
Genome position (GRCh38, 1-based): chr1:200,618,617, A>C on the plus strand (T>G on the coding strand, the complement: KIF14 is on the minus strand). VCF-style: chr1-200618617-A-C. GRCh37 (hg19) VCF-style: chr1-200587745-A-C.
Other names: c.-1279T>G (NM_001305792.1); short protein forms L36R.
Identifiers: ClinVar variation 2383460 (VCV002383460.2), dbSNP rs564874427, ClinGen allele CA1318088.

ClinVar aggregate classification (germline): Uncertain significance (1 of 4 stars; one submission).

Conditions:
Inborn genetic diseases. Identifiers: MedGen C0950123, MeSH D030342.

Allele frequency attached by ClinVar (database versions not stated): gnomAD exomes 0.00001; ExAC 0.00002; gnomAD 0.00004; TOPMed 0.00005; 1000 Genomes Project 30x 0.00031; 1000 Genomes Project 0.00040.
gnomAD v4.1: 14 of 1,614,160 alleles (0.00087%); highest among the groups gnomAD compares: African/African-American, 0.019%; no homozygotes.

Submission:

Ambry Genetics
Classification: Uncertain significance for Inborn genetic diseases. Last evaluated: 2021-01-11. Review status: criteria provided, single submitter. Criteria: Ambry Variant Classification Scheme 2023. Collection method: clinical testing. Allele origin: germline.
Comment: The c.107T>G (p.L36R) alteration is located in exon 2 (coding exon 1) of the KIF14 gene. This alteration results from a T to G substitution at nucleotide position 107, causing the leucine (L) at amino acid position 36 to be replaced by an arginine (R). The p.L36R alteration is predicted to be tolerated by in silico analysis. Based on insufficient or conflicting evidence, the clinical significance of this alteration remains unclear.